The following is an entry in ClinVar:

ClinVar aggregate classification (germline): Uncertain significance. Review status: criteria provided, multiple submitters, no conflicts (2 of 4 stars). 3 submissions from 3 submitters: Uncertain significance (2). 1 of the submissions does not count toward it. Last evaluated 2023-11-04.

Conditions:
Familial temporal lobe epilepsy 7. Identifiers: Orphanet 101046, MedGen C4225327, MONDO:0014639, OMIM 616436.
Norman-Roberts syndrome (LIS2). Also called: Lissencephaly 2 (Norman-Roberts type). Identifiers: Orphanet 89844, MedGen C0796089, MONDO:0009760, OMIM 257320.

Allele frequency attached by ClinVar (database versions not stated): gnomAD exomes below 0.00001 and 0.00002; ExAC 0.00002.
gnomAD v4.1: 1 of 1,613,780 alleles (0.000062%); highest among the groups gnomAD compares: Non-Finnish European, 0.000085%; no homozygotes.

Submissions (3):

Labcorp Genetics (formerly Invitae), Labcorp
Classification: Uncertain significance for Familial temporal lobe epilepsy 7; Norman-Roberts syndrome. Last evaluated: 2023-11-04. Review status: criteria provided, single submitter. Criteria: Invitae Variant Classification Sherloc (09022015). Collection method: clinical testing. Allele origin: germline.
Comment: This sequence change replaces tyrosine, which is neutral and polar, with cysteine, which is neutral and slightly polar, at codon 723 of the RELN protein (p.Tyr723Cys). This variant is present in population databases (rs768119894, gnomAD 0.003%). This missense change has been observed in individual(s) with autosomal-dominant lateral temporal epilepsy (PMID: 26046367). ClinVar contains an entry for this variant (Variation ID: 208482). Advanced modeling of protein sequence and biophysical properties (such as structural, functional, and spatial information, amino acid conservation, physicochemical variation, residue mobility, and thermodynamic stability) performed at Invitae indicates that this missense variant is not expected to disrupt RELN protein function with a negative predictive value of 80%. In summary, the available evidence is currently insufficient to determine the role of this variant in disease. Therefore, it has been classified as a Variant of Uncertain Significance.

New York Genome Center
Classification: Uncertain significance for Familial temporal lobe epilepsy 7; Norman-Roberts syndrome. Last evaluated: 2021-08-06. Review status: criteria provided, single submitter. Criteria: NYGC Assertion Criteria 2020. Collection method: clinical testing. Allele origin: inherited. Observed: 1 heterozygote. Study: CSER-NYCKidSeq.
Comment: The inherited c.2168A>G, p.(Tyr723Cys) variant has previously been reported in the literature in a three-generational family with two affected individuals with auditory/aphasic seizures showing incomplete penetrance with two unaffected variant carriers (PMID:26046367). The c.2168A>G, p.(Tyr723Cys) variant (rs768119894) has four heterozygous alleles in gnomAD datasets (v2.1 and v3.1.1) suggesting it is not a common benign variant in the populations represented in this database. In silico algorithms predict a conflicting interpretation of pathogenicity. The p.Tyr723 residue is located in the first Reelin repeat of the protein wherein other predicted pathogenic variants have also been reported in individuals with autosomal dominant epilepsy with auditory features (PMID:26046367). Given the lack of functional studies and the report of only one affected family in the literature/public repositories, this inherited c.2168A>G, p.(Tyr723Cys) variant identified in RELN is reported here as a Variant of Uncertain Significance.

GeneReviews
No classification provided. Condition: Familial temporal lobe epilepsy 7. Review status: no classification provided. Collection method: literature only. Allele origin: germline. Affected: yes. Not counted in ClinVar's aggregate classification.

Literature cited by the submitters: PubMed 26046367 (cited by Labcorp Genetics (formerly Invitae), Labcorp); NCBI Bookshelf NBK1537 (cited by GeneReviews).

NM_005045.4(RELN):c.2168A>G (p.Tyr723Cys)

Gene: RELN (reelin; minus strand). Cytogenetic location: 7q22.1.
Variant type: single nucleotide variant.
Coding change: c.2168A>G on transcript NM_005045.4 (MANE Select); coding-DNA position 2168, A replaced by G.
Protein change: p.Tyr723Cys; replaces tyrosine 723 with cysteine.
Molecular consequence: missense variant.
Genome position (GRCh38, 1-based): chr7:103,636,370, T>C on the plus strand (A>G on the coding strand, the complement: RELN is on the minus strand). VCF-style: chr7-103636370-T-C. GRCh37 (hg19) VCF-style: chr7-103276817-T-C.
Other names: c.2168A>G, p.Tyr723Cys (NM_173054.3); short protein forms Y723C.
Identifiers: ClinVar variation 208482 (VCV000208482.7), dbSNP rs768119894, ClinGen allele CA347411.